The following is an entry in ClinVar:

ClinVar aggregate classification (germline): Likely benign (1 of 4 stars; one submission).

Conditions:
ADAMTS17-related disorder. Also called: ADAMTS17-related condition.

gnomAD v4.1: 5 of 1,015,584 alleles (0.00049%); highest among the groups gnomAD compares: East Asian, 0.0095%; no homozygotes.

Submission:

PreventionGenetics, part of Exact Sciences
Classification: Likely benign for ADAMTS17-related condition. Last evaluated: 2026-06-27. Review status: criteria provided, single submitter. Criteria: ACMG Guidelines, 2015. Collection method: clinical testing. Allele origin: germline.
Comment: This variant is classified as likely benign based on ACMG/AMP sequence variant interpretation guidelines (Richards et al. 2015 PMID: 25741868, with internal and published modifications).

NM_139057.4(ADAMTS17):c.80-10C>T

Gene: ADAMTS17 (ADAM metallopeptidase with thrombospondin type 1 motif 17; minus strand). Cytogenetic location: 15q26.3.
Variant type: single nucleotide variant.
Coding change: c.80-10C>T on transcript NM_139057.4 (MANE Select); 10 bases into the intron before coding-DNA position 80, C replaced by T.
Molecular consequence: intron variant.
Genome position (GRCh38, 1-based): chr15:100,341,419, G>A on the plus strand (C>T on the coding strand, the complement: ADAMTS17 is on the minus strand). VCF-style: chr15-100341419-G-A. GRCh37 (hg19) VCF-style: chr15-100881624-G-A.
Identifiers: ClinVar variation 4984159 (VCV004984159.1).